The following is an entry in ClinVar:

NM_001252024.2(TRPM1):c.4625G>A (p.Arg1542His)

Gene: TRPM1 (transient receptor potential cation channel subfamily M member 1; minus strand). Cytogenetic location: 15q13.3.
Variant type: single nucleotide variant.
Coding change: c.4625G>A on transcript NM_001252024.2 (MANE Select); coding-DNA position 4625, G replaced by A.
Protein change: p.Arg1542His; replaces arginine 1542 with histidine.
Molecular consequence: missense variant.
Genome position (GRCh38, 1-based): chr15:31,002,075, C>T on the plus strand (G>A on the coding strand, the complement: TRPM1 is on the minus strand). VCF-style: chr15-31002075-C-T. GRCh37 (hg19) VCF-style: chr15-31294278-C-T.
Other names: c.4676G>A, p.Arg1559His (NM_001252020.2); c.4559G>A, p.Arg1520His (NM_002420.6); short protein forms R1520H, R1542H, R1559H.
Identifiers: ClinVar variation 1009123 (VCV001009123.8), dbSNP rs554416392, ClinGen allele CA7451604.

ClinVar aggregate classification (germline): Uncertain significance (1 of 4 stars; one submission).

Allele frequency attached by ClinVar (database versions not stated): ExAC 0.00001; gnomAD 0.00001 and 0.00002; gnomAD exomes 0.00001; TOPMed 0.00002; 1000 Genomes Project 30x 0.00016; 1000 Genomes Project 0.00020.
gnomAD v4.1: 14 of 1,614,148 alleles (0.00087%); highest among the groups gnomAD compares: Middle Eastern, 0.016%; no homozygotes.

Submission:

Labcorp Genetics (formerly Invitae), Labcorp
Classification: Uncertain significance. Last evaluated: 2024-03-04. Review status: criteria provided, single submitter. Criteria: Invitae Variant Classification Sherloc (09022015). Collection method: clinical testing. Allele origin: germline.
Comment: This sequence change replaces arginine, which is basic and polar, with histidine, which is basic and polar, at codon 1520 of the TRPM1 protein (p.Arg1520His). This variant is present in population databases (rs554416392, gnomAD 0.004%). This variant has not been reported in the literature in individuals affected with TRPM1-related conditions. ClinVar contains an entry for this variant (Variation ID: 1009123). Algorithms developed to predict the effect of missense changes on protein structure and function output the following: SIFT: "Not Available"; PolyPhen-2: "Benign"; Align-GVGD: "Not Available". The histidine amino acid residue is found in multiple mammalian species, which suggests that this missense change does not adversely affect protein function. In summary, the available evidence is currently insufficient to determine the role of this variant in disease. Therefore, it has been classified as a Variant of Uncertain Significance.